The following is an entry in ClinVar:

ClinVar aggregate classification (germline): Benign (0 of 4 stars; one submission).

Conditions:
NLRP14-related disorder. Also called: NLRP14-related condition.

Allele frequency attached by ClinVar (database versions not stated): gnomAD 0.00063; TOPMed 0.00065; ExAC 0.00100; 1000 Genomes Project 0.00220; 1000 Genomes Project 30x 0.00234.
gnomAD v4.1: 908 of 1,614,164 alleles (0.056%); highest among the groups gnomAD compares: East Asian, 1.8%; 10 homozygotes.

Submission:

PreventionGenetics, part of Exact Sciences
Classification: Benign for NLRP14-related condition. Last evaluated: 2019-06-26. Review status: no assertion criteria provided. Collection method: clinical testing. Allele origin: germline.
Comment: This variant is classified as benign based on ACMG/AMP sequence variant interpretation guidelines (Richards et al. 2015 PMID: 25741868, with internal and published modifications).

NM_176822.4(NLRP14):c.725G>A (p.Gly242Asp)

Gene: NLRP14 (NLR family pyrin domain containing 14; plus strand). Cytogenetic location: 11p15.4.
Variant type: single nucleotide variant.
Coding change: c.725G>A on transcript NM_176822.4 (MANE Select); coding-DNA position 725, G replaced by A.
Protein change: p.Gly242Asp; replaces glycine 242 with aspartic acid.
Molecular consequence: missense variant.
Genome position (GRCh38, 1-based): chr11:7,042,751, G>A. VCF-style: chr11-7042751-G-A. GRCh37 (hg19) VCF-style: chr11-7063982-G-A.
Other names: short protein forms G242D.
Identifiers: ClinVar variation 3044395 (VCV003044395.2), dbSNP rs78572085, ClinGen allele CA5864641.